The following is an entry in ClinVar:

NM_000059.4(BRCA2):c.1509G>C (p.Lys503Asn)

Gene: BRCA2 (BRCA2 DNA repair associated; plus strand). Cytogenetic location: 13q13.1.
Variant type: single nucleotide variant.
Coding change: c.1509G>C on transcript NM_000059.4 (MANE Select); coding-DNA position 1509, G replaced by C.
Protein change: p.Lys503Asn; replaces lysine 503 with asparagine.
Molecular consequence: missense variant.
Genome position (GRCh38, 1-based): chr13:32,332,987, G>C. VCF-style: chr13-32332987-G-C. GRCh37 (hg19) VCF-style: chr13-32907124-G-C.
Other names: short protein forms K503N.
Identifiers: ClinVar variation 483118 (VCV000483118.10), dbSNP rs1555281928, ClinGen allele CA387764517.

ClinVar aggregate classification (germline): Conflicting classifications of pathogenicity. Review status: criteria provided, conflicting classifications (1 of 4 stars). 3 submissions from 3 submitters: Uncertain significance (2); Likely benign (1). Last evaluated 2025-02-01.

Conditions:
Hereditary cancer-predisposing syndrome. Also called: Neoplastic Syndromes, Hereditary; Tumor predisposition; Hereditary Cancer Syndrome; Hereditary neoplastic syndrome. Identifiers: Orphanet 140162, MedGen C0027672, MeSH D009386, MONDO:0015356.
Hereditary breast ovarian cancer syndrome. Also called: Hereditary breast and ovarian cancer syndrome; Hereditary breast and ovarian cancer; Hereditary breast and ovarian cancer syndrome (HBOC); Breast and ovarian cancer; Hereditary breast and/or ovarian cancer syndrome; BRCA1- and BRCA2-Associated Hereditary Breast and Ovarian Cancer. Identifiers: Orphanet 145, MedGen C0677776, MeSH D061325, MONDO:0003582. Disease mechanism: loss of function.

Submissions (3):

Labcorp Genetics (formerly Invitae), Labcorp
Classification: Uncertain significance for Hereditary breast ovarian cancer syndrome. Last evaluated: 2025-02-01. Review status: criteria provided, single submitter. Criteria: Invitae Variant Classification Sherloc (09022015). Collection method: clinical testing. Allele origin: germline.
Comment: This sequence change replaces lysine, which is basic and polar, with asparagine, which is neutral and polar, at codon 503 of the BRCA2 protein (p.Lys503Asn). This variant is not present in population databases (gnomAD no frequency). This variant has not been reported in the literature in individuals affected with BRCA2-related conditions. ClinVar contains an entry for this variant (Variation ID: 483118). Invitae Evidence Modeling of protein sequence and biophysical properties (such as structural, functional, and spatial information, amino acid conservation, physicochemical variation, residue mobility, and thermodynamic stability) indicates that this missense variant is not expected to disrupt BRCA2 protein function with a negative predictive value of 95%. In summary, the available evidence is currently insufficient to determine the role of this variant in disease. Therefore, it has been classified as a Variant of Uncertain Significance.

University of Washington Department of Laboratory Medicine, University of Washington
Classification: Likely benign for Hereditary cancer-predisposing syndrome. Last evaluated: 2023-03-23. Review status: criteria provided, single submitter. Criteria: Dines et al. (Genet Med. 2020). Collection method: curation. Allele origin: germline.
Comment: Missense variant in a coldspot region where missense variants are very unlikely to be pathogenic (PMID:31911673).

BRCA2 exon 10 coldspot. Reclassification based on statistical prior probability.

Ambry Genetics
Classification: Uncertain significance for Hereditary cancer-predisposing syndrome. Last evaluated: 2017-07-07. Review status: criteria provided, single submitter. Criteria: Ambry Variant Classification Scheme 2023. Collection method: clinical testing. Allele origin: germline.
Comment: The p.K503N variant (also known as c.1509G>C), located in coding exon 9 of the BRCA2 gene, results from a G to C substitution at nucleotide position 1509. The lysine at codon 503 is replaced by asparagine, an amino acid with similar properties. This amino acid position is well conserved in available vertebrate species. In addition, this alteration is predicted to be tolerated by in silico analysis. Since supporting evidence is limited at this time, the clinical significance of this alteration remains unclear.